The following is an entry in ClinVar:

NM_000876.4(IGF2R):c.2625C>T (p.Cys875=)

Gene: IGF2R (insulin like growth factor 2 receptor; plus strand). Cytogenetic location: 6q25.3.
Variant type: single nucleotide variant.
Coding change: c.2625C>T on transcript NM_000876.4 (MANE Select); coding-DNA position 2625, C replaced by T.
Protein change: p.Cys875=; no amino-acid change (cysteine 875 retained).
Molecular consequence: synonymous variant.
Genome position (GRCh38, 1-based): chr6:160,050,583, C>T. VCF-style: chr6-160050583-C-T. GRCh37 (hg19) VCF-style: chr6-160471615-C-T.
Identifiers: ClinVar variation 2657103 (VCV002657103.24), dbSNP rs149020070, ClinGen allele CA4081985.

ClinVar aggregate classification (germline): Likely benign (1 of 4 stars; one submission).

Allele frequency attached by ClinVar (database versions not stated): gnomAD exomes 0.00020; ExAC 0.00064; 1000 Genomes Project 30x 0.00078; 1000 Genomes Project 0.00080; gnomAD 0.00178; ESP Exome Variant Server 0.00185; TOPMed 0.00228.
gnomAD v4.1: 576 of 1,614,034 alleles (0.036%); highest among the groups gnomAD compares: African/African-American, 0.71%; 3 homozygotes.

Submission:

CeGaT Center for Human Genetics Tuebingen
Classification: Likely benign. Last evaluated: 2025-04-01. Review status: criteria provided, single submitter. Criteria: CeGaT Center For Human Genetics Tuebingen Variant Classification Criteria Version 2. Collection method: clinical testing. Allele origin: germline. Affected: yes. Observed: 3 variant alleles.
Comment: IGF2R: BP4, BP7